The following is an entry in ClinVar:

NM_000179.3(MSH6):c.4079_4081dup (p.Leu1360dup)

Gene: MSH6 (mutS homolog 6; plus strand). Cytogenetic location: 2p16.3.
Variant type: Duplication.
Coding change: c.4079_4081dup on transcript NM_000179.3 (MANE Select); coding-DNA positions 4079 to 4081, 3 bases duplicated (TAT; older notation c.4079_4081dupTAT).
Protein change: p.Leu1360dup; duplicates leucine 1360.
Molecular consequence: inframe insertion.
Genome position (GRCh38, 1-based): chr2:47,806,856-47,806,858, TAT duplicated; duplicating any 3 consecutive bases within chr2:47,806,854-47,806,858 gives the same sequence; the c. name uses the placement nearest the transcript's 3' end. VCF-style (leftmost placement, unchanged base first): chr2-47806853-A-AATT. GRCh37 (hg19) VCF-style: chr2-48033992-A-AATT.
Other names: c.3689_3691dup, p.Leu1230dup (NM_001281492.2); c.3173_3175dup, p.Leu1058dup (NM_001281493.2, NM_001281494.2); c.4079_4081dupTAT (NM_000179.2).
Identifiers: ClinVar variation 421782 (VCV000421782.13), dbSNP rs1553334041, ClinGen allele CA16617728.

ClinVar aggregate classification (germline): Uncertain significance. Review status: criteria provided, multiple submitters, no conflicts (2 of 4 stars). 3 submissions from 3 submitters: Uncertain significance (3). Last evaluated 2025-07-23.

Conditions:
Hereditary nonpolyposis colorectal neoplasms. Identifiers: MedGen C0009405, MeSH D003123.
Hereditary cancer-predisposing syndrome. Also called: Hereditary neoplastic syndrome; Neoplastic Syndromes, Hereditary; Tumor predisposition; Hereditary Cancer Syndrome. Identifiers: Orphanet 140162, MedGen C0027672, MeSH D009386, MONDO:0015356.

Submissions (3):

Ambry Genetics
Classification: Uncertain significance for Hereditary cancer-predisposing syndrome. Last evaluated: 2025-07-23. Review status: criteria provided, single submitter. Criteria: Ambry Variant Classification Scheme 2023. Collection method: clinical testing. Allele origin: germline.
Comment: The c.4079_4081dupTAT variant (also known as p.L1360dup), located in coding exon 10 of the MSH6 gene, results from an in-frame duplication of TAT at nucleotide positions 4079 to 4081. This results in the duplication of an extra residue after codon 1360, extending the protein by one amino acid. The exact functional effect of the additional amino acid is unknown. This amino acid position is highly conserved in available vertebrate species. In addition, this alteration is predicted to be neutral by in silico analysis (Choi Y et al. PLoS ONE. 2012; 7(10):e46688). Based on the available evidence, the clinical significance of this variant remains unclear.

Labcorp Genetics (formerly Invitae), Labcorp
Classification: Uncertain significance for Hereditary nonpolyposis colorectal neoplasms. Last evaluated: 2024-01-24. Review status: criteria provided, single submitter. Criteria: Invitae Variant Classification Sherloc (09022015). Collection method: clinical testing. Allele origin: germline.
Comment: This sequence change disrupts the translational stop signal of the MSH6 mRNA. It is expected to extend the length of the MSH6 protein by 1 additional amino acid residues. This variant is not present in population databases (gnomAD no frequency). This variant has not been reported in the literature in individuals affected with MSH6-related conditions. ClinVar contains an entry for this variant (Variation ID: 421782). Experimental studies and prediction algorithms are not available or were not evaluated, and the functional significance of this variant is currently unknown. In summary, the available evidence is currently insufficient to determine the role of this variant in disease. Therefore, it has been classified as a Variant of Uncertain Significance.

GeneDx
Classification: Uncertain significance. Last evaluated: 2022-09-26. Review status: criteria provided, single submitter. Criteria: GeneDx Variant Classification Process June 2021. Collection method: clinical testing. Allele origin: germline. Affected: yes.
Comment: Not observed at significant frequency in large population cohorts (gnomAD); Normal stop codon changed to a Leu codon, leading to the addition of one amino acid at the C-terminus; Has not been previously published as pathogenic or benign to our knowledge; This variant is associated with the following publications: (PMID: 12019211, 17531815, 21120944)